The following is an entry in ClinVar:

ClinVar aggregate classification (germline): Conflicting classifications of pathogenicity. Review status: criteria provided, conflicting classifications (1 of 4 stars). 8 submissions from 8 submitters: Uncertain significance (2); Likely benign (6). Last evaluated 2026-02-02.

Conditions:
Microcephalic osteodysplastic primordial dwarfism type II (MOPD2). Also called: Microcephalic osteodysplastic primordial dwarfism with tooth abnormalities; MOPD II; OSTEODYSPLASTIC PRIMORDIAL DWARFISM, TYPE II. Identifiers: Orphanet 2637, MedGen C0432246, MONDO:0008872, OMIM 210720.

Allele frequency attached by ClinVar (database versions not stated): 1000 Genomes Project 30x 0.00016; gnomAD 0.00064 and 0.00068; TOPMed 0.00072; ESP Exome Variant Server 0.00109.
gnomAD v4.1: 1,538 of 1,573,266 alleles (0.098%); highest among the groups gnomAD compares: Non-Finnish European, 0.11%; 2 homozygotes.

Submissions (8):

Labcorp Genetics (formerly Invitae), Labcorp
Classification: Likely benign. Last evaluated: 2026-02-02. Review status: criteria provided, single submitter. Criteria: Invitae Variant Classification Sherloc (09022015). Collection method: clinical testing. Allele origin: germline.

CeGaT Center for Human Genetics Tuebingen
Classification: Likely benign. Last evaluated: 2025-12-01. Review status: criteria provided, single submitter. Criteria: CeGaT Center For Human Genetics Tuebingen Variant Classification Criteria Version 2. Collection method: clinical testing. Allele origin: germline. Affected: yes. Observed: 3 variant alleles.
Comment: PCNT: BP4, BP7

Blueprint Genetics
Classification: Likely benign. Last evaluated: 2024-11-05. Review status: criteria provided, single submitter. Criteria: ACMG Guidelines, 2015. Collection method: clinical testing. Allele origin: germline.

ARUP Laboratories, Molecular Genetics and Genomics, ARUP Laboratories
Classification: Likely benign for Microcephalic osteodysplastic primordial dwarfism type II. Last evaluated: 2020-06-01. Review status: criteria provided, single submitter. Criteria: ARUP Molecular Germline Variant Investigation Process. Collection method: clinical testing. Allele origin: germline.

GeneDx
Classification: Likely benign. Last evaluated: 2020-01-22. Review status: criteria provided, single submitter. Criteria: GeneDx Variant Classification Process June 2021. Collection method: clinical testing. Allele origin: germline. Affected: yes.

Illumina Laboratory Services, Illumina
Classification: Uncertain significance for Microcephalic osteodysplastic primordial dwarfism type II. Last evaluated: 2018-01-13. Review status: criteria provided, single submitter. Criteria: ICSL Variant Classification Criteria 13 December 2019. Collection method: clinical testing. Allele origin: germline.

Genetic Services Laboratory, University of Chicago
Classification: Likely benign. Last evaluated: 2016-09-29. Review status: criteria provided, single submitter. Criteria: ACMG Guidelines, 2015. Collection method: clinical testing. Allele origin: germline. Affected: no.

Eurofins Ntd Llc (ga)
Classification: Uncertain significance. Last evaluated: 2015-06-25. Review status: criteria provided, single submitter. Criteria: EGL Classification Definitions 2015. Collection method: clinical testing. Allele origin: germline. Observed: 1 variant allele, 1 heterozygote.

NM_006031.6(PCNT):c.4140G>A (p.Ala1380=)

Gene: PCNT (pericentrin; plus strand). Cytogenetic location: 21q22.3.
Variant type: single nucleotide variant.
Coding change: c.4140G>A on transcript NM_006031.6 (MANE Select); coding-DNA position 4140, G replaced by A.
Protein change: p.Ala1380=; no amino-acid change (alanine 1380 retained).
Molecular consequence: synonymous variant.
Genome position (GRCh38, 1-based): chr21:46,391,300, G>A. VCF-style: chr21-46391300-G-A. GRCh37 (hg19) VCF-style: chr21-47811215-G-A.
Other names: c.3786G>A, p.Ala1262= (NM_001315529.2).
Identifiers: ClinVar variation 211857 (VCV000211857.71), dbSNP rs372175239, ClinGen allele CA205361.